The following is an entry in ClinVar:

NM_000274.4(OAT):c.1291A>G (p.Ile431Val)

Gene: OAT (ornithine aminotransferase; minus strand). Cytogenetic location: 10q26.13.
Variant type: single nucleotide variant.
Coding change: c.1291A>G on transcript NM_000274.4 (MANE Select); coding-DNA position 1291, A replaced by G.
Protein change: p.Ile431Val; replaces isoleucine 431 with valine.
Molecular consequence: missense variant.
Genome position (GRCh38, 1-based): chr10:124,397,971, T>C on the plus strand (A>G on the coding strand, the complement: OAT is on the minus strand). VCF-style: chr10-124397971-T-C. GRCh37 (hg19) VCF-style: chr10-126086540-T-C.
Other names: c.877A>G, p.Ile293Val (NM_001171814.2); c.1291A>G, p.Ile431Val (NM_001322965.2, NM_001322966.2, NM_001322967.2 and 3 more transcripts); c.970A>G, p.Ile324Val (NM_001322971.2); c.691A>G, p.Ile231Val (NM_001322974.2); c.1291A>G (NM_000274.3); short protein forms I231V, I293V, I324V, I431V.
Identifiers: ClinVar variation 1058895 (VCV001058895.8), dbSNP rs138709143, ClinGen allele CA5733275.

ClinVar aggregate classification (germline): Uncertain significance. Review status: criteria provided, multiple submitters, no conflicts (2 of 4 stars). 3 submissions from 3 submitters: Uncertain significance (2). 1 of the submissions does not count toward it. Last evaluated 2025-09-28.

Conditions:
Inborn genetic diseases. Identifiers: MedGen C0950123, MeSH D030342.
Ornithine aminotransferase deficiency (GACR). Also called: Ornithine ketoacid aminotransferase deficiency; Gyrate atrophy; Gyrate atrophy of choroid and retina; Girate atrophy of the retina; HYPERORNITHINEMIA WITH GYRATE ATROPHY OF CHOROID AND RETINA; OAT DEFICIENCY. Identifiers: Orphanet 414, MedGen C0018425, MONDO:0009796, OMIM 258870.

Allele frequency attached by ClinVar (database versions not stated): gnomAD exomes 0.00001 and 0.00004; ExAC 0.00006; ESP Exome Variant Server 0.00015; 1000 Genomes Project 30x 0.00016; gnomAD 0.00010 and 0.00009; TOPMed 0.00010; 1000 Genomes Project 0.00020.
gnomAD v4.1: 30 of 1,613,878 alleles (0.0019%); highest among the groups gnomAD compares: African/African-American, 0.037%; no homozygotes.

Submissions (3):

Ambry Genetics
Classification: Uncertain significance for Inborn genetic diseases. Last evaluated: 2025-09-28. Review status: criteria provided, single submitter. Criteria: Ambry Variant Classification Scheme 2023. Collection method: clinical testing. Allele origin: germline.

Labcorp Genetics (formerly Invitae), Labcorp
Classification: Uncertain significance for Ornithine aminotransferase deficiency. Last evaluated: 2022-07-24. Review status: criteria provided, single submitter. Criteria: Invitae Variant Classification Sherloc (09022015). Collection method: clinical testing. Allele origin: germline.
Comment: This sequence change replaces isoleucine, which is neutral and non-polar, with valine, which is neutral and non-polar, at codon 431 of the OAT protein (p.Ile431Val). This variant is present in population databases (rs138709143, gnomAD 0.06%). This variant has not been reported in the literature in individuals affected with OAT-related conditions. ClinVar contains an entry for this variant (Variation ID: 1058895). Algorithms developed to predict the effect of missense changes on protein structure and function are either unavailable or do not agree on the potential impact of this missense change (SIFT: "Tolerated"; PolyPhen-2: "Probably Damaging"; Align-GVGD: "Class C0"). In summary, the available evidence is currently insufficient to determine the role of this variant in disease. Therefore, it has been classified as a Variant of Uncertain Significance.

Natera, Inc.
Classification: Uncertain significance for Gyrate atrophy. Last evaluated: 2020-02-05. Review status: no assertion criteria provided. Collection method: clinical testing. Allele origin: germline. Not counted in ClinVar's aggregate classification.